The following is an entry in ClinVar:

ClinVar aggregate classification (germline): Likely benign. Review status: criteria provided, multiple submitters, no conflicts (2 of 4 stars). 2 submissions from 2 submitters: Likely benign (2). Last evaluated 2018-06-16.

Allele frequency attached by ClinVar (database versions not stated): 1000 Genomes Project 0.00819; 1000 Genomes Project 30x 0.00859; gnomAD 0.01857 and 0.01953; TOPMed 0.01908; gnomAD exomes 0.02380.
gnomAD v4.1: 25,075 of 1,086,708 alleles (2.3%); highest among the groups gnomAD compares: Non-Finnish European, 2.8%; 413 homozygotes.

Submissions (2):

GeneDx
Classification: Likely benign. Last evaluated: 2018-06-16. Review status: criteria provided, single submitter. Criteria: GeneDx Variant Classification (06012015). Collection method: clinical testing. Allele origin: germline. Affected: yes.
Comment: This variant is considered likely benign or benign based on one or more of the following criteria: it is a conservative change, it occurs at a poorly conserved position in the protein, it is predicted to be benign by multiple in silico algorithms, and/or has population frequency not consistent with disease.

Breakthrough Genomics
Classification: Likely benign. Review status: criteria provided, single submitter. Criteria: ACMG Guidelines, 2015. Collection method: not provided. Allele origin: germline. Inheritance: Autosomal recessive inheritance. Affected: yes.

NM_018979.4(WNK1):c.6643+136G>A

Gene: WNK1 (WNK lysine deficient protein kinase 1; plus strand). Cytogenetic location: 12p13.33.
Variant type: single nucleotide variant.
Coding change: c.6643+136G>A on transcript NM_018979.4 (MANE Select); 136 bases into the intron after coding-DNA position 6643, G replaced by A.
Molecular consequence: intron variant.
Genome position (GRCh38, 1-based): chr12:900,806, G>A. VCF-style: chr12-900806-G-A. GRCh37 (hg19) VCF-style: chr12-1009972-G-A.
Other names: c.7399+136G>A (NM_213655.5); c.7423+136G>A (NM_001184985.2); c.5899+136G>A (NM_014823.3).
Identifiers: ClinVar variation 674001 (VCV000674001.2), dbSNP rs56168957, ClinGen allele CA13761675.